The following is an entry in ClinVar:

ClinVar aggregate classification (germline): Uncertain significance. Review status: criteria provided, multiple submitters, no conflicts (2 of 4 stars). 2 submissions from 2 submitters: Uncertain significance (2). Last evaluated 2025-04-09.

Allele frequency attached by ClinVar (database versions not stated): gnomAD exomes 0.00001.
gnomAD v4.1: 3 of 1,612,622 alleles (0.00019%); highest among the groups gnomAD compares: African/African-American, 0.0013%; no homozygotes.

Submissions (2):

Labcorp Genetics (formerly Invitae), Labcorp
Classification: Uncertain significance. Last evaluated: 2025-04-09. Review status: criteria provided, single submitter. Criteria: Invitae Variant Classification Sherloc (09022015). Collection method: clinical testing. Allele origin: germline.
Comment: This sequence change replaces arginine, which is basic and polar, with cysteine, which is neutral and slightly polar, at codon 479 of the ACO2 protein (p.Arg479Cys). This variant is present in population databases (no rsID available, gnomAD 0.002%). This variant has not been reported in the literature in individuals affected with ACO2-related conditions. ClinVar contains an entry for this variant (Variation ID: 1499135). Invitae Evidence Modeling of protein sequence and biophysical properties (such as structural, functional, and spatial information, amino acid conservation, physicochemical variation, residue mobility, and thermodynamic stability) indicates that this missense variant is expected to disrupt ACO2 protein function with a positive predictive value of 80%. In summary, the available evidence is currently insufficient to determine the role of this variant in disease. Therefore, it has been classified as a Variant of Uncertain Significance.

GeneDx
Classification: Uncertain significance. Last evaluated: 2024-10-14. Review status: criteria provided, single submitter. Criteria: GeneDx Variant Classification Process June 2021. Collection method: clinical testing. Allele origin: germline. Affected: yes.
Comment: Not observed at significant frequency in large population cohorts (gnomAD); In silico analysis supports that this missense variant has a deleterious effect on protein structure/function; Has not been previously published as pathogenic or benign to our knowledge

NM_001098.3(ACO2):c.1435C>T (p.Arg479Cys)

Gene: ACO2 (aconitase 2; plus strand). Cytogenetic location: 22q13.2.
Variant type: single nucleotide variant.
Coding change: c.1435C>T on transcript NM_001098.3 (MANE Select); coding-DNA position 1435, C replaced by T.
Protein change: p.Arg479Cys; replaces arginine 479 with cysteine.
Molecular consequence: missense variant.
Genome position (GRCh38, 1-based): chr22:41,523,894, C>T. VCF-style: chr22-41523894-C-T. GRCh37 (hg19) VCF-style: chr22-41919898-C-T.
Other names: c.1435C>T (NM_001098.2); short protein forms R479C.
Identifiers: ClinVar variation 1499135 (VCV001499135.10), dbSNP rs1359965775, ClinGen allele CA411726971.
Genomic context (GRCh38, chr22:41,523,894, plus strand): 5'-GACATCAAGAAGGGGGAGAAGAACACAATCGTCACCTCCTACAACAGGAACTTCACGGGC[C>T]GCAACGACGCAAACCCCGAGACCCATGCCTTTGTCACGTCCCCAGAGGTGAGACTGCCCA-3'
Protein context (NP_001089.1, residues 469-489): VTSYNRNFTG[Arg479Cys]NDANPETHAF